The following is an entry in ClinVar:

NM_000083.3(CLCN1):c.182T>C (p.Ile61Thr)

Gene: CLCN1 (chloride voltage-gated channel 1; plus strand). Cytogenetic location: 7q34.
Variant type: single nucleotide variant.
Coding change: c.182T>C on transcript NM_000083.3 (MANE Select); coding-DNA position 182, T replaced by C.
Protein change: p.Ile61Thr; replaces isoleucine 61 with threonine.
Molecular consequence: missense variant. On other transcripts: non-coding transcript variant (1).
Genome position (GRCh38, 1-based): chr7:143,319,756, T>C. VCF-style: chr7-143319756-T-C. GRCh37 (hg19) VCF-style: chr7-143016849-T-C.
Other names: short protein forms I61T.
Identifiers: ClinVar variation 4785590 (VCV004785590.1).

ClinVar aggregate classification (germline): Uncertain significance (1 of 4 stars; one submission).

Conditions:
Congenital myotonia, autosomal dominant form (THD). Also called: THOMSEN DISEASE; Myotonia congenita autosomal dominant. Identifiers: Orphanet 614, MedGen C2936781, MONDO:0008055, OMIM 160800.
Congenital myotonia, autosomal recessive form. Also called: BECKER DISEASE; Becker Generalized Myotonia; myotonia congenita, autosomal recessive. Identifiers: Orphanet 614, MedGen C0751360, MONDO:0009715, OMIM 255700.

Submission:

Labcorp Genetics (formerly Invitae), Labcorp
Classification: Uncertain significance for Congenital myotonia, autosomal recessive form; Congenital myotonia, autosomal dominant form. Last evaluated: 2025-07-21. Review status: criteria provided, single submitter. Criteria: Invitae Variant Classification Sherloc (09022015). Collection method: clinical testing. Allele origin: germline.
Comment: This sequence change replaces isoleucine, which is neutral and non-polar, with threonine, which is neutral and polar, at codon 61 of the CLCN1 protein (p.Ile61Thr). This variant is not present in population databases (gnomAD no frequency). This variant has not been reported in the literature in individuals affected with CLCN1-related conditions. An algorithm developed to predict the effect of missense changes on protein structure and function (PolyPhen-2) suggests that this variant is likely to be tolerated. Algorithms developed to predict the effect of sequence changes on RNA splicing suggest that this variant may disrupt the consensus splice site. In summary, the available evidence is currently insufficient to determine the role of this variant in disease. Therefore, it has been classified as a Variant of Uncertain Significance.